The following is an entry in ClinVar:

NM_002361.4(MAG):c.1657A>C (p.Asn553His)

Gene: MAG (myelin associated glycoprotein; plus strand). Cytogenetic location: 19q13.12.
Variant type: single nucleotide variant.
Coding change: c.1657A>C on transcript NM_002361.4 (MANE Select); coding-DNA position 1657, A replaced by C.
Protein change: p.Asn553His; replaces asparagine 553 with histidine.
Molecular consequence: missense variant.
Genome position (GRCh38, 1-based): chr19:35,311,958, A>C. VCF-style: chr19-35311958-A-C. GRCh37 (hg19) VCF-style: chr19-35802861-A-C.
Other names: c.1582A>C, p.Asn528His (NM_001199216.2); c.1657A>C, p.Asn553His (NM_080600.3); short protein forms N553H, N528H.
Identifiers: ClinVar variation 703976 (VCV000703976.15), dbSNP rs141352771, ClinGen allele CA9376349.

ClinVar aggregate classification (germline): Benign. Review status: criteria provided, multiple submitters, no conflicts (2 of 4 stars). 3 submissions from 3 submitters: Benign (2). 1 of the submissions does not count toward it. Last evaluated 2025-12-25.

Conditions:
MAG-related disorder. Also called: MAG-related condition.
Hereditary spastic paraplegia 75. Also called: Spastic paraplegia 75, autosomal recessive. Identifiers: Orphanet 459056, MedGen C4225250, MONDO:0014729, OMIM 616680.

Allele frequency attached by ClinVar (database versions not stated): gnomAD exomes 0.00129; ExAC 0.00175; gnomAD 0.00554 and 0.00583; ESP Exome Variant Server 0.00600; TOPMed 0.00631; 1000 Genomes Project 0.00659; 1000 Genomes Project 30x 0.00765.
gnomAD v4.1: 1,781 of 1,613,448 alleles (0.11%); highest among the groups gnomAD compares: African/African-American, 1.9%; 18 homozygotes.

Submissions (3):

Labcorp Genetics (formerly Invitae), Labcorp
Classification: Benign for Hereditary spastic paraplegia 75. Last evaluated: 2025-12-25. Review status: criteria provided, single submitter. Criteria: Invitae Variant Classification Sherloc (09022015). Collection method: clinical testing. Allele origin: germline.

Breakthrough Genomics
Classification: Benign. Review status: criteria provided, single submitter. Criteria: ACMG Guidelines, 2015. Collection method: not provided. Allele origin: germline. Inheritance: Autosomal recessive inheritance. Affected: yes.

PreventionGenetics, part of Exact Sciences
Classification: Likely benign for MAG-related condition. Last evaluated: 2024-06-20. Review status: no assertion criteria provided. Collection method: clinical testing. Allele origin: germline. Not counted in ClinVar's aggregate classification.
Comment: This variant is classified as likely benign based on ACMG/AMP sequence variant interpretation guidelines (Richards et al. 2015 PMID: 25741868, with internal and published modifications).